The following is an entry in ClinVar:

ClinVar aggregate classification (germline): Uncertain significance. Review status: criteria provided, multiple submitters, no conflicts (2 of 4 stars). 3 submissions from 3 submitters: Uncertain significance (2). 1 of the submissions does not count toward it. Last evaluated 2024-12-30.

Conditions:
ADAMTSL4-related disorder. Also called: ADAMTSL4-Related Disorders; ADAMTSL4-related condition.
Inborn genetic diseases. Identifiers: MedGen C0950123, MeSH D030342.

Allele frequency attached by ClinVar (database versions not stated): gnomAD exomes 0.00001; TOPMed 0.00002; ExAC 0.00003.
gnomAD v4.1: 14 of 1,613,674 alleles (0.00087%); highest among the groups gnomAD compares: Admixed American, 0.013%; no homozygotes.

Submissions (3):

Ambry Genetics
Classification: Uncertain significance for Inborn genetic diseases. Last evaluated: 2024-12-30. Review status: criteria provided, single submitter. Criteria: Ambry Variant Classification Scheme 2023. Collection method: clinical testing. Allele origin: germline.

Labcorp Genetics (formerly Invitae), Labcorp
Classification: Uncertain significance. Last evaluated: 2022-03-26. Review status: criteria provided, single submitter. Criteria: Invitae Variant Classification Sherloc (09022015). Collection method: clinical testing. Allele origin: germline.
Comment: This sequence change replaces cysteine, which is neutral and slightly polar, with tyrosine, which is neutral and polar, at codon 799 of the ADAMTSL4 protein (p.Cys799Tyr). This variant is present in population databases (rs763521345, gnomAD 0.03%). This variant has not been reported in the literature in individuals affected with ADAMTSL4-related conditions. Algorithms developed to predict the effect of missense changes on protein structure and function (SIFT, PolyPhen-2, Align-GVGD) all suggest that this variant is likely to be disruptive. In summary, the available evidence is currently insufficient to determine the role of this variant in disease. Therefore, it has been classified as a Variant of Uncertain Significance.

PreventionGenetics, part of Exact Sciences
Classification: Uncertain significance for ADAMTSL4-related condition. Last evaluated: 2024-02-27. Review status: no assertion criteria provided. Collection method: clinical testing. Allele origin: germline. Not counted in ClinVar's aggregate classification.
Comment: The ADAMTSL4 c.2396G>A variant is predicted to result in the amino acid substitution p.Cys799Tyr. To our knowledge, this variant has not been reported in the literature. This variant is reported in 0.026% of alleles in individuals of Latino descent in gnomAD. At this time, the clinical significance of this variant is uncertain due to the absence of conclusive functional and genetic evidence.

NM_019032.6(ADAMTSL4):c.2396G>A (p.Cys799Tyr)

Gene: ADAMTSL4 (ADAMTS like 4; plus strand). Cytogenetic location: 1q21.2.
Variant type: single nucleotide variant.
Coding change: c.2396G>A on transcript NM_019032.6 (MANE Select); coding-DNA position 2396, G replaced by A.
Protein change: p.Cys799Tyr; replaces cysteine 799 with tyrosine.
Molecular consequence: missense variant.
Genome position (GRCh38, 1-based): chr1:150,558,486, G>A. VCF-style: chr1-150558486-G-A. GRCh37 (hg19) VCF-style: chr1-150530962-G-A.
Other names: c.2279G>A, p.Cys760Tyr (NM_001288607.2); c.2465G>A, p.Cys822Tyr (NM_001288608.2); c.2396G>A, p.Cys799Tyr (NM_001378596.1, NM_025008.5); c.2396G>A (NM_019032.5, NM_019032.4); short protein forms C822Y, C760Y, C799Y.
Identifiers: ClinVar variation 2176909 (VCV002176909.4), dbSNP rs763521345, ClinGen allele CA1078662.